The following is an entry in ClinVar:

ClinVar aggregate classification (germline): Benign/Likely benign. Review status: criteria provided, multiple submitters, no conflicts (2 of 4 stars). 2 submissions from 2 submitters: Benign (1); Likely benign (1). Last evaluated 2025-07-08.

gnomAD v4.1: 2,332 of 1,614,194 alleles (0.14%); highest among the groups gnomAD compares: African/African-American, 0.93%; 9 homozygotes.

Submissions (2):

Mayo Clinic Laboratories, Mayo Clinic
Classification: Benign. Last evaluated: 2025-07-08. Review status: criteria provided, single submitter. Criteria: ACMG Guidelines, 2015. Collection method: clinical testing. Allele origin: germline. Observed: 1 variant allele.
Comment: BS1, BS2, BP4_moderate

Molecular Diagnostic Laboratory for Inherited Cardiovascular Disease, Montreal Heart Institute
Classification: Likely benign. Last evaluated: 2025-04-09. Review status: criteria provided, single submitter. Criteria: ACMG Guidelines, 2015. Collection method: clinical testing. Allele origin: germline. Affected: no.
Comment: BS1;BP4

NM_005070.4(SLC4A3):c.2948C>T (p.Pro983Leu)

Gene: SLC4A3 (solute carrier family 4 member 3; plus strand). Cytogenetic location: 2q35.
Variant type: single nucleotide variant.
Coding change: c.2948C>T on transcript NM_005070.4 (MANE Select); coding-DNA position 2948, C replaced by T.
Protein change: p.Pro983Leu; replaces proline 983 with leucine.
Molecular consequence: missense variant. On other transcripts: non-coding transcript variant (1).
Genome position (GRCh38, 1-based): chr2:219,638,794, C>T. VCF-style: chr2-219638794-C-T. GRCh37 (hg19) VCF-style: chr2-220503516-C-T.
Other names: p.Pro1010Leu; c.3029C>T, p.Pro1010Leu (NM_001326559.2, NM_201574.3); c.3029C>T (NM_201574.2); short protein forms P1010L, P983L.
Identifiers: ClinVar variation 3895233 (VCV003895233.2), dbSNP rs41272709.
Genomic context (GRCh38, chr2:219,638,794, plus strand): 5'-CCTCTCCCGATAAGCGCTCGTGGTTCATCCCACCCCTGGGCAGTGCCCGTCCTTTCCCGC[C>T]GTGGATGATGGTGGCAGCCGCTGTTCCCGCCCTCCTCGTCCTCATCCTGATCTTCATGGA-3'
Protein context (NP_005061.3, residues 973-993): PPLGSARPFP[Pro983Leu]WMMVAAAVPA